The following is an entry in ClinVar:

NM_007294.4(BRCA1):c.5074+5A>G

Gene: BRCA1 (BRCA1 DNA repair associated; minus strand). Cytogenetic location: 17q21.31.
Variant type: single nucleotide variant.
Coding change: c.5074+5A>G on transcript NM_007294.4 (MANE Select); 5 bases into the intron after coding-DNA position 5074, A replaced by G.
Molecular consequence: intron variant.
Genome position (GRCh38, 1-based): chr17:43,067,603, T>C on the plus strand (A>G on the coding strand, the complement: BRCA1 is on the minus strand). VCF-style: chr17-43067603-T-C. GRCh37 (hg19) VCF-style: chr17-41219620-T-C.
Other names: c.5071+5A>G (NM_001407622.1, NM_001407860.1, NM_001407611.1 and 17 more transcripts); c.5074+5A>G (NM_001407602.1, NM_001407597.1, NM_001407605.1 and 8 more transcripts); c.5137+5A>G (NM_001407585.1, NM_007300.4, NM_001407583.1 and 1 more transcripts); c.4804+5A>G (NM_001407936.1, NM_001407934.1, NM_001407935.1); c.4927+5A>G (NM_001407849.1, NM_001407845.1, NM_001407852.1 and 12 more transcripts); c.4930+5A>G (NM_001407744.1, NM_001407750.1, NM_001407732.1 and 21 more transcripts); c.1501+5A>G (NM_001408496.1, NM_001408499.1, NM_001408498.1 and 3 more transcripts); c.4807+5A>G (NM_001407929.1, NM_001407930.1, NM_001407933.1 and 4 more transcripts); and 71 more.
Identifiers: ClinVar variation 867605 (VCV000867605.3), dbSNP rs431825411, ClinGen allele CA053821.

Conditions:
Breast-ovarian cancer, familial, susceptibility to, 1 (BROVCA1). Also called: BRCA1 Hereditary Breast and Ovarian Cancer; OVARIAN CANCER, SUSCEPTIBILITY TO. Identifiers: Orphanet 145, MedGen C2676676, MONDO:0011450, OMIM 604370. Disease mechanism: loss of function.

Submission:

Brotman Baty Institute, University of Washington
No classification provided (evidence only). Condition: Breast-ovarian cancer, familial 1. Review status: no classification provided. Collection method: in vitro. Allele origin: not applicable. Functional consequence: functionally_normal.
ClinVar note: "not provided" was previously submitted as the classification for the variant. However, the classification appeared to be based only on an observation of functional data so it was converted to no classification on 2025-07-30.